The following is an entry in ClinVar:

NM_000304.4(PMP22):c.78+5G>C

Gene: PMP22 (peripheral myelin protein 22; minus strand). Cytogenetic location: 17p12.
Variant type: single nucleotide variant.
Coding change: c.78+5G>C on transcript NM_000304.4 (MANE Select); 5 bases into the intron after coding-DNA position 78, G replaced by C.
Molecular consequence: intron variant.
Genome position (GRCh38, 1-based): chr17:15,260,645, C>G on the plus strand (G>C on the coding strand, the complement: PMP22 is on the minus strand). VCF-style: chr17-15260645-C-G. GRCh37 (hg19) VCF-style: chr17-15163962-C-G.
Other names: c.78+5G>C (NM_001281456.2, NM_153321.3, NM_001281455.2 and 2 more transcripts).
Identifiers: ClinVar variation 1346301 (VCV001346301.8), dbSNP rs1174594975, ClinGen allele CA2573153161.

ClinVar aggregate classification (germline): Uncertain significance (1 of 4 stars; one submission).

Conditions:
Charcot-Marie-Tooth disease, type I (CMT1). Also called: Charcot-Marie-Tooth, Type 1; Charcot-Marie-Tooth disease type 1. Identifiers: Orphanet 65753, MedGen C0751036, MONDO:0019011.

Submission:

Labcorp Genetics (formerly Invitae), Labcorp
Classification: Uncertain significance for Charcot-Marie-Tooth disease, type I. Last evaluated: 2021-04-17. Review status: criteria provided, single submitter. Criteria: Invitae Variant Classification Sherloc (09022015). Collection method: clinical testing. Allele origin: germline.
Comment: This sequence change falls in intron 2 of the PMP22 gene. It does not directly change the encoded amino acid sequence of the PMP22 protein. It affects a nucleotide within the consensus splice site of the intron. In summary, the available evidence is currently insufficient to determine the role of this variant in disease. Therefore, it has been classified as a Variant of Uncertain Significance. This variant disrupts the c.78+5G nucleotide in the PMP22 gene. Other variant(s) that disrupt this nucleotide have been determined to be pathogenic (PMID: 22006697). This suggests that this nucleotide is clinically significant, and that variants that disrupt this position are likely to be disease-causing. Nucleotide substitutions within the consensus splice site are a relatively common cause of aberrant splicing (PMID: 17576681, 9536098). Algorithms developed to predict the effect of sequence changes on RNA splicing suggest that this variant may disrupt the consensus splice site, but this prediction has not been confirmed by published transcriptional studies. This variant has been observed in individual(s) with clinical features of Charcot-Marie-Tooth disease (Invitae). This variant is not present in population databases (ExAC no frequency).

Literature cited by the submitters: PubMed 22006697; PubMed 17576681; PubMed 9536098.